The following is an entry in ClinVar:

NM_004568.6(SERPINB6):c.-11+2751C>G

Gene: SERPINB6 (serpin family B member 6; minus strand). Cytogenetic location: 6p25.2.
Variant type: single nucleotide variant.
Coding change: c.-11+2751C>G on transcript NM_004568.6 (MANE Select); 2751 bases into the intron after 11 bases upstream of the start codon, C replaced by G.
Molecular consequence: intron variant. On other transcripts: 5 prime UTR variant (2), synonymous variant (1).
Genome position (GRCh38, 1-based): chr6:2,968,782, G>C on the plus strand (C>G on the coding strand, the complement: SERPINB6 is on the minus strand). VCF-style: chr6-2968782-G-C. GRCh37 (hg19) VCF-style: chr6-2969016-G-C.
Other names: c.-2C>G (NM_001195291.2, NM_001195291.3, NM_001374515.1); c.30C>G, p.Leu10= (NM_001374517.1); c.-11+2810C>G (NM_001297700.2); c.-11+2709C>G (NM_001271824.2); c.-11+2466C>G (NM_001297699.2); c.32+2335C>G (NM_001271822.2); c.47+1976C>G (NM_001271823.2); c.-11+1914C>G (NM_001374516.1).
Identifiers: ClinVar variation 677156 (VCV000677156.3), dbSNP rs116433001, ClinGen allele CA133428586.
Genomic context (GRCh38, chr6:2,968,782, plus strand): 5'-TGGATGTCAGTACATAGTTAAGAGGAAAACACAAACAATGCTGGAAGTTCTGTTTACATG[G>C]AGGAAGTTCTGTTTACATGGACAGGACATGTCAGCTGGGAGCTTCACTGCAGTGTGCTCA-3'

ClinVar aggregate classification (germline): Benign/Likely benign. Review status: criteria provided, multiple submitters, no conflicts (2 of 4 stars). 3 submissions from 3 submitters: Benign (1); Likely benign (2). Last evaluated 2025-04-28.

Conditions:
SERPINB6-related disorder. Also called: SERPINB6-related condition.

Allele frequency attached by ClinVar (database versions not stated): gnomAD 0.01096 and 0.01179; TOPMed 0.01221; 1000 Genomes Project 0.01278; 1000 Genomes Project 30x 0.01405.

Submissions (3):

PreventionGenetics, part of Exact Sciences
Classification: Benign for SERPINB6-related condition. Last evaluated: 2025-04-28. Review status: criteria provided, single submitter. Criteria: ACMG Guidelines, 2015. Collection method: clinical testing. Allele origin: germline.
Comment: This variant is classified as benign based on ACMG/AMP sequence variant interpretation guidelines (Richards et al. 2015 PMID: 25741868, with internal and published modifications).

GeneDx
Classification: Likely benign. Last evaluated: 2018-06-16. Review status: criteria provided, single submitter. Criteria: GeneDx Variant Classification (06012015). Collection method: clinical testing. Allele origin: germline. Affected: yes.
Comment: This variant is considered likely benign or benign based on one or more of the following criteria: it is a conservative change, it occurs at a poorly conserved position in the protein, it is predicted to be benign by multiple in silico algorithms, and/or has population frequency not consistent with disease.

Breakthrough Genomics
Classification: Likely benign. Review status: criteria provided, single submitter. Criteria: ACMG Guidelines, 2015. Collection method: not provided. Allele origin: germline. Inheritance: Autosomal recessive inheritance. Affected: yes.